The following is an entry in ClinVar:

NM_003239.5(TGFB3):c.985G>T (p.Gly329Cys)

Gene: TGFB3 (transforming growth factor beta 3; minus strand). Cytogenetic location: 14q24.3.
Variant type: single nucleotide variant.
Coding change: c.985G>T on transcript NM_003239.5 (MANE Select); coding-DNA position 985, G replaced by T.
Protein change: p.Gly329Cys; replaces glycine 329 with cysteine.
Molecular consequence: missense variant.
Genome position (GRCh38, 1-based): chr14:75,961,018, C>A on the plus strand (G>T on the coding strand, the complement: TGFB3 is on the minus strand). VCF-style: chr14-75961018-C-A. GRCh37 (hg19) VCF-style: chr14-76427361-C-A.
Other names: c.985G>T, p.Gly329Cys (NM_001329939.2); short protein forms G329C.
Identifiers: ClinVar variation 1039183 (VCV001039183.11), dbSNP rs2035150012, ClinGen allele CA390467978.

ClinVar aggregate classification (germline): Uncertain significance. Review status: criteria provided, multiple submitters, no conflicts (2 of 4 stars). 2 submissions from 2 submitters: Uncertain significance (2). Last evaluated 2025-09-13.

Conditions:
Rienhoff syndrome. Also called: LOEYS-DIETZ SYNDROME 5. Identifiers: MedGen C3810012, MONDO:0014262, OMIM 615582.
Familial thoracic aortic aneurysm and aortic dissection (TAAD). Also called: Thoracic aortic aneurysms and dissections. Identifiers: Orphanet 91387, MedGen C4707243, MONDO:0019625.

Submissions (2):

Labcorp Genetics (formerly Invitae), Labcorp
Classification: Uncertain significance for Rienhoff syndrome. Last evaluated: 2025-09-13. Review status: criteria provided, single submitter. Criteria: Invitae Variant Classification Sherloc (09022015). Collection method: clinical testing. Allele origin: germline.
Comment: This sequence change replaces glycine, which is neutral and non-polar, with cysteine, which is neutral and slightly polar, at codon 329 of the TGFB3 protein (p.Gly329Cys). This variant is not present in population databases (gnomAD no frequency). This variant has not been reported in the literature in individuals affected with TGFB3-related conditions. ClinVar contains an entry for this variant (Variation ID: 1039183). Invitae Evidence Modeling of protein sequence and biophysical properties (such as structural, functional, and spatial information, amino acid conservation, physicochemical variation, residue mobility, and thermodynamic stability) has been performed for this missense variant. However, the output from this modeling did not meet the statistical confidence thresholds required to predict the impact of this variant on TGFB3 protein function. In summary, the available evidence is currently insufficient to determine the role of this variant in disease. Therefore, it has been classified as a Variant of Uncertain Significance.

Ambry Genetics
Classification: Uncertain significance for Familial thoracic aortic aneurysm and aortic dissection. Last evaluated: 2022-03-04. Review status: criteria provided, single submitter. Criteria: Ambry Variant Classification Scheme 2023. Collection method: clinical testing. Allele origin: germline.
Comment: The p.G329C variant (also known as c.985G>T), located in coding exon 6 of the TGFB3 gene, results from a G to T substitution at nucleotide position 985. The glycine at codon 329 is replaced by cysteine, an amino acid with highly dissimilar properties. This amino acid position is highly conserved in available vertebrate species. In addition, this alteration is predicted to be deleterious by in silico analysis. Since supporting evidence is limited at this time, the clinical significance of this alteration remains unclear.